The following is an entry in ClinVar:

NM_000760.4(CSF3R):c.203_221del (p.Glu68fs)

Gene: CSF3R (colony stimulating factor 3 receptor; minus strand). Cytogenetic location: 1p34.3.
Variant type: Deletion.
Coding change: c.203_221del on transcript NM_000760.4 (MANE Select); coding-DNA positions 203 to 221, 19 bases deleted (AGCTTCAGCCCGGGGGCAG).
Protein change: p.Glu68fs; shifts the reading frame from glutamic acid 68.
Molecular consequence: frameshift variant.
Genome position (GRCh38, 1-based): chr1:36,475,517-36,475,535, CTGCCCCCGGGCTGAAGCT deleted on the plus strand (AGCTTCAGCCCGGGGGCAG on the coding strand, the reverse complement: CSF3R is on the minus strand); deleting any 19 consecutive bases within chr1:36,475,517-36,475,539 gives the same sequence; the c. name uses the placement nearest the transcript's 3' end. VCF-style (leftmost placement, unchanged base first): chr1-36475516-CCTGCCCCCGGGCTGAAGCT-C. GRCh37 (hg19) VCF-style: chr1-36941117-CCTGCCCCCGGGCTGAAGCT-C.
Other names: c.203_221del, p.Glu68fs (LRG_144t1, NM_156039.3, NM_172313.3); c.203_221del19 (NM_000760.3); short protein forms E68fs.
Identifiers: ClinVar variation 655386 (VCV000655386.7), dbSNP rs757401069, ClinGen allele CA769534.

ClinVar aggregate classification (germline): Pathogenic/Likely pathogenic. Review status: criteria provided, multiple submitters, no conflicts (2 of 4 stars). 2 submissions from 2 submitters: Pathogenic (1); Likely pathogenic (1). Last evaluated 2025-09-04.

Conditions:
Autosomal recessive severe congenital neutropenia due to CSF3R deficiency. Also called: Neutropenia, severe congenital, 7, autosomal recessive. Identifiers: Orphanet 420702, MedGen C4310764, MONDO:0014865, OMIM 617014.
CSF3R-related disorder. Also called: CSF3R-related condition.

Submissions (2):

Labcorp Genetics (formerly Invitae), Labcorp
Classification: Pathogenic for Autosomal recessive severe congenital neutropenia due to CSF3R deficiency. Last evaluated: 2025-09-04. Review status: criteria provided, single submitter. Criteria: Invitae Variant Classification Sherloc (09022015). Collection method: clinical testing. Allele origin: germline.
Comment: This sequence change creates a premature translational stop signal (p.Glu68Glyfs*30) in the CSF3R gene. It is expected to result in an absent or disrupted protein product. Loss-of-function variants in CSF3R are known to be pathogenic (PMID: 24753537, 26324699). This variant is present in population databases (rs757401069, gnomAD 0.004%). This variant has not been reported in the literature in individuals affected with CSF3R-related conditions. ClinVar contains an entry for this variant (Variation ID: 655386). For these reasons, this variant has been classified as Pathogenic.

PreventionGenetics, part of Exact Sciences
Classification: Likely pathogenic for CSF3R-related condition. Last evaluated: 2025-07-31. Review status: criteria provided, single submitter. Criteria: ACMG Guidelines, 2015. Collection method: clinical testing. Allele origin: germline.
Comment: The CSF3R c.203_221del19 variant is predicted to result in a frameshift and premature protein termination (p.Glu68Glyfs*30). To our knowledge, this variant has not been reported in the literature. This variant is reported in 0.0040% of alleles in individuals of African descent in gnomAD. Frameshift variants in CSF3R are expected to be pathogenic. This variant is interpreted as likely pathogenic.

Literature cited by the submitters: PubMed 24753537 (cited by Labcorp Genetics (formerly Invitae), Labcorp); PubMed 26324699 (cited by Labcorp Genetics (formerly Invitae), Labcorp).